The following is an entry in ClinVar:

NM_000252.3(MTM1):c.1447G>T (p.Glu483Ter)

Gene: MTM1 (myotubularin 1; plus strand). Cytogenetic location: Xq28.
Variant type: single nucleotide variant.
Coding change: c.1447G>T on transcript NM_000252.3 (MANE Select); coding-DNA position 1447, G replaced by T.
Protein change: p.Glu483Ter; replaces glutamic acid 483 with a stop codon.
Molecular consequence: nonsense.
Genome position (GRCh38, 1-based): chrX:150,660,464, G>T. VCF-style: chrX-150660464-G-T. GRCh37 (hg19) VCF-style: chrX-149828937-G-T.
Other names: c.1447G>T, p.Glu483Ter (NM_001376906.1, NM_001376908.1); c.1336G>T, p.Glu446Ter (NM_001376907.1); short protein forms E446*, E483*.
Identifiers: ClinVar variation 1075319 (VCV001075319.10), dbSNP rs2148511944, ClinGen allele CA415259787.

ClinVar aggregate classification (germline): Pathogenic. Review status: criteria provided, multiple submitters, no conflicts (2 of 4 stars). 2 submissions from 2 submitters: Pathogenic (2). Last evaluated 2025-04-07.

Conditions:
Severe X-linked myotubular myopathy (CNMX). Also called: Myotubular myopathy, X-linked; MYOTUBULAR MYOPATHY 1; X-linked centronuclear myopathy. Identifiers: Orphanet 596, MedGen C0410203, MONDO:0010683, OMIM 310400.

Submissions (2):

Labcorp Genetics (formerly Invitae), Labcorp
Classification: Pathogenic for Severe X-linked myotubular myopathy. Last evaluated: 2025-04-07. Review status: criteria provided, single submitter. Criteria: Invitae Variant Classification Sherloc (09022015). Collection method: clinical testing. Allele origin: germline.
Comment: This sequence change creates a premature translational stop signal (p.Glu483*) in the MTM1 gene. It is expected to result in an absent or disrupted protein product. Loss-of-function variants in MTM1 are known to be pathogenic (PMID: 9305655, 10063835). This variant is not present in population databases (gnomAD no frequency). This variant has not been reported in the literature in individuals affected with MTM1-related conditions. ClinVar contains an entry for this variant (Variation ID: 1075319). For these reasons, this variant has been classified as Pathogenic.

Revvity Omics, Revvity
Classification: Pathogenic. Last evaluated: 2020-05-24. Review status: criteria provided, single submitter. Criteria: ACMG Guidelines, 2015. Collection method: clinical testing. Allele origin: germline.

Literature cited by the submitters: PubMed 9305655 (cited by Labcorp Genetics (formerly Invitae), Labcorp); PubMed 10063835 (cited by Labcorp Genetics (formerly Invitae), Labcorp).